The following is an entry in ClinVar:

ClinVar aggregate classification (germline): Uncertain significance (1 of 4 stars; one submission).

Allele frequency attached by ClinVar (database versions not stated): TOPMed below 0.00001; ExAC 0.00001; gnomAD 0.00001; gnomAD exomes 0.00001; ESP Exome Variant Server 0.00008.
gnomAD v4.1: 8 of 1,612,898 alleles (0.0005%); highest among the groups gnomAD compares: Non-Finnish European, 0.00068%; no homozygotes.

Submission:

Labcorp Genetics (formerly Invitae), Labcorp
Classification: Uncertain significance. Last evaluated: 2022-07-21. Review status: criteria provided, single submitter. Criteria: Invitae Variant Classification Sherloc (09022015). Collection method: clinical testing. Allele origin: germline.
Comment: Algorithms developed to predict the effect of missense changes on protein structure and function are either unavailable or do not agree on the potential impact of this missense change (SIFT: "Deleterious"; PolyPhen-2: "Possibly Damaging"; Align-GVGD: "Class C15"). In summary, the available evidence is currently insufficient to determine the role of this variant in disease. Therefore, it has been classified as a Variant of Uncertain Significance. This variant has not been reported in the literature in individuals affected with ZNF513-related conditions. This variant is present in population databases (rs370755297, gnomAD 0.0009%). This sequence change replaces leucine, which is neutral and non-polar, with phenylalanine, which is neutral and non-polar, at codon 80 of the ZNF513 protein (p.Leu80Phe).

NM_144631.6(ZNF513):c.238C>T (p.Leu80Phe)

Gene: ZNF513 (zinc finger protein 513; minus strand). Cytogenetic location: 2p23.3.
Variant type: single nucleotide variant.
Coding change: c.238C>T on transcript NM_144631.6 (MANE Select); coding-DNA position 238, C replaced by T.
Protein change: p.Leu80Phe; replaces leucine 80 with phenylalanine.
Molecular consequence: missense variant.
Genome position (GRCh38, 1-based): chr2:27,379,028, G>A on the plus strand (C>T on the coding strand, the complement: ZNF513 is on the minus strand). VCF-style: chr2-27379028-G-A. GRCh37 (hg19) VCF-style: chr2-27601895-G-A.
Other names: c.52C>T, p.Leu18Phe (NM_001201459.2); short protein forms L18F, L80F.
Identifiers: ClinVar variation 1722275 (VCV001722275.5), dbSNP rs370755297, ClinGen allele CA1578096.